The following is an entry in ClinVar:

NM_023036.6(DNAI2):c.1153G>T (p.Asp385Tyr)

Gene: DNAI2 (dynein axonemal intermediate chain 2; plus strand). Cytogenetic location: 17q25.1.
Variant type: single nucleotide variant.
Coding change: c.1153G>T on transcript NM_023036.6 (MANE Select); coding-DNA position 1153, G replaced by T.
Protein change: p.Asp385Tyr; replaces aspartic acid 385 with tyrosine.
Molecular consequence: missense variant. On other transcripts: non-coding transcript variant (1).
Genome position (GRCh38, 1-based): chr17:74,305,384, G>T. VCF-style: chr17-74305384-G-T. GRCh37 (hg19) VCF-style: chr17-72301523-G-T.
Other names: c.1153G>T, p.Asp385Tyr (NM_001172810.3, NM_001353167.2); short protein forms D385Y.
Identifiers: ClinVar variation 3369108 (VCV003369108.1).

ClinVar aggregate classification (germline): Uncertain significance (1 of 4 stars; one submission).

gnomAD v4.1: 3 of 1,614,044 alleles (0.00019%); highest among the groups gnomAD compares: Admixed American, 0.005%; no homozygotes.

Submission:

GeneDx
Classification: Uncertain significance. Last evaluated: 2024-02-09. Review status: criteria provided, single submitter. Criteria: GeneDx Variant Classification Process June 2021. Collection method: clinical testing. Allele origin: germline. Affected: yes.
Comment: In silico analysis supports that this missense variant has a deleterious effect on protein structure/function; Has not been previously published as pathogenic or benign to our knowledge